The following is an entry in ClinVar:

ClinVar aggregate classification (germline): Uncertain significance (1 of 4 stars; one submission).

Allele frequency attached by ClinVar (database versions not stated): gnomAD exomes 0.00001; TOPMed 0.00001.

Submission:

Labcorp Genetics (formerly Invitae), Labcorp
Classification: Uncertain significance. Last evaluated: 2024-01-17. Review status: criteria provided, single submitter. Criteria: Invitae Variant Classification Sherloc (09022015). Collection method: clinical testing. Allele origin: germline.
Comment: This sequence change replaces phenylalanine, which is neutral and non-polar, with leucine, which is neutral and non-polar, at codon 85 of the GHRHR protein (p.Phe85Leu). The frequency data for this variant in the population databases is considered unreliable, as metrics indicate poor data quality at this position in the gnomAD database. This variant has not been reported in the literature in individuals affected with GHRHR-related conditions. ClinVar contains an entry for this variant (Variation ID: 1483303). Algorithms developed to predict the effect of missense changes on protein structure and function output the following: SIFT: "Not Available"; PolyPhen-2: "Benign"; Align-GVGD: "Not Available". The leucine amino acid residue is found in multiple mammalian species, which suggests that this missense change does not adversely affect protein function. In summary, the available evidence is currently insufficient to determine the role of this variant in disease. Therefore, it has been classified as a Variant of Uncertain Significance.

NM_000823.4(GHRHR):c.253T>C (p.Phe85Leu)

Gene: GHRHR (growth hormone releasing hormone receptor; plus strand). Cytogenetic location: 7p14.3.
Variant type: single nucleotide variant.
Coding change: c.253T>C on transcript NM_000823.4 (MANE Select); coding-DNA position 253, T replaced by C.
Protein change: p.Phe85Leu; replaces phenylalanine 85 with leucine.
Molecular consequence: missense variant.
Genome position (GRCh38, 1-based): chr7:30,969,155, T>C. VCF-style: chr7-30969155-T-C. GRCh37 (hg19) VCF-style: chr7-31008770-T-C.
Other names: short protein forms F85L.
Identifiers: ClinVar variation 1483303 (VCV001483303.8), dbSNP rs764209354, ClinGen allele CA4208441.